The following is an entry in ClinVar:

NM_001032283.3(TMPO):c.386T>G (p.Val129Gly)

Gene: TMPO (thymopoietin; plus strand). Cytogenetic location: 12q23.1.
Variant type: single nucleotide variant.
Coding change: c.386T>G on transcript NM_001032283.3 (MANE Select); coding-DNA position 386, T replaced by G.
Protein change: p.Val129Gly; replaces valine 129 with glycine.
Molecular consequence: missense variant.
Genome position (GRCh38, 1-based): chr12:98,527,992, T>G. VCF-style: chr12-98527992-T-G. GRCh37 (hg19) VCF-style: chr12-98921770-T-G.
Other names: c.386T>G, p.Val129Gly (NM_001032284.3, NM_001307975.2, NM_003276.2); short protein forms V129G.
Identifiers: ClinVar variation 1735693 (VCV001735693.5), dbSNP rs533418524, ClinGen allele CA6732178.

ClinVar aggregate classification (germline): Uncertain significance. Review status: criteria provided, multiple submitters, no conflicts (2 of 4 stars). 2 submissions from 2 submitters: Uncertain significance (2). Last evaluated 2023-10-20.

Conditions:
Loeys-Dietz syndrome 2 (LDS2). Also called: TGFBR2-Related Loeys-Dietz Syndrome; Marfan Syndrome type 2; Marfan like connective tissue disorder; MFS 2; AORTIC ANEURYSM, FAMILIAL THORACIC 3; MARFAN SYNDROME, TYPE II. Identifiers: Orphanet 284973, Orphanet 558, MedGen C2674574, MONDO:0012427, OMIM 610168.

Allele frequency attached by ClinVar (database versions not stated): ExAC 0.00001; gnomAD 0.00002; 1000 Genomes Project 30x 0.00016; 1000 Genomes Project 0.00020.
gnomAD v4.1: 3 of 1,613,876 alleles (0.00019%); highest among the groups gnomAD compares: East Asian, 0.0067%; no homozygotes.

Submissions (2):

Labcorp Genetics (formerly Invitae), Labcorp
Classification: Uncertain significance for Loeys-Dietz syndrome 2. Last evaluated: 2023-10-20. Review status: criteria provided, single submitter. Criteria: Invitae Variant Classification Sherloc (09022015). Collection method: clinical testing. Allele origin: germline.
Comment: This sequence change replaces valine, which is neutral and non-polar, with glycine, which is neutral and non-polar, at codon 129 of the TMPO protein (p.Val129Gly). This variant is present in population databases (rs533418524, gnomAD 0.02%). This variant has not been reported in the literature in individuals affected with TMPO-related conditions. ClinVar contains an entry for this variant (Variation ID: 1735693). An algorithm developed to predict the effect of missense changes on protein structure and function (PolyPhen-2) suggests that this variant is likely to be disruptive. In summary, the available evidence is currently insufficient to determine the role of this variant in disease. Therefore, it has been classified as a Variant of Uncertain Significance.

Ambry Genetics
Classification: Uncertain significance. Last evaluated: 2021-09-30. Review status: criteria provided, single submitter. Criteria: Ambry Variant Classification Scheme 2023. Collection method: clinical testing. Allele origin: germline.
Comment: The p.V129G variant (also known as c.386T>G), located in coding exon 2 of the TMPO gene, results from a T to G substitution at nucleotide position 386. The valine at codon 129 is replaced by glycine, an amino acid with dissimilar properties. This amino acid position is conserved. In addition, the in silico prediction for this alteration is inconclusive. Since supporting evidence is limited at this time, the clinical significance of this alteration remains unclear.